The following is an entry in ClinVar:

NM_000553.6(WRN):c.2053A>G (p.Arg685Gly)

Gene: WRN (WRN RecQ like helicase; plus strand). Cytogenetic location: 8p12.
Variant type: single nucleotide variant.
Coding change: c.2053A>G on transcript NM_000553.6 (MANE Select); coding-DNA position 2053, A replaced by G.
Protein change: p.Arg685Gly; replaces arginine 685 with glycine.
Molecular consequence: missense variant.
Genome position (GRCh38, 1-based): chr8:31,100,920, A>G. VCF-style: chr8-31100920-A-G. GRCh37 (hg19) VCF-style: chr8-30958436-A-G.
Other names: short protein forms R685G.
Identifiers: ClinVar variation 2070592 (VCV002070592.4), dbSNP rs1814200734, ClinGen allele CA370908766.

ClinVar aggregate classification (germline): Uncertain significance (1 of 4 stars; one submission).

Conditions:
Werner syndrome (WRN). Identifiers: Orphanet 902, MedGen C0043119, MONDO:0010196, OMIM 277700.

gnomAD v4.1: 1 of 1,613,940 alleles (0.000062%); highest among the groups gnomAD compares: Non-Finnish European, 0.000085%; no homozygotes.

Submission:

Labcorp Genetics (formerly Invitae), Labcorp
Classification: Uncertain significance for Werner syndrome. Last evaluated: 2022-02-08. Review status: criteria provided, single submitter. Criteria: Invitae Variant Classification Sherloc (09022015). Collection method: clinical testing. Allele origin: germline.
Comment: In summary, the available evidence is currently insufficient to determine the role of this variant in disease. Therefore, it has been classified as a Variant of Uncertain Significance. Algorithms developed to predict the effect of missense changes on protein structure and function are either unavailable or do not agree on the potential impact of this missense change (SIFT: "Not Available"; PolyPhen-2: "Probably Damaging"; Align-GVGD: "Not Available"). This variant has not been reported in the literature in individuals affected with WRN-related conditions. This variant is not present in population databases (gnomAD no frequency). This sequence change replaces arginine, which is basic and polar, with glycine, which is neutral and non-polar, at codon 685 of the WRN protein (p.Arg685Gly).